The following is an entry in ClinVar:

ClinVar aggregate classification (germline): Uncertain significance (1 of 4 stars; one submission).

Allele frequency attached by ClinVar (database versions not stated): gnomAD exomes below 0.00001; ExAC 0.00001.
gnomAD v4.1: 3 of 1,612,808 alleles (0.00019%); highest among the groups gnomAD compares: East Asian, 0.0022%; no homozygotes.

Submission:

Labcorp Genetics (formerly Invitae), Labcorp
Classification: Uncertain significance. Last evaluated: 2023-03-23. Review status: criteria provided, single submitter. Criteria: Invitae Variant Classification Sherloc (09022015). Collection method: clinical testing. Allele origin: germline.
Comment: This sequence change replaces arginine, which is basic and polar, with lysine, which is basic and polar, at codon 344 of the DLC1 protein (p.Arg344Lys). This variant is present in population databases (rs772590730, gnomAD 0.0009%). This variant has not been reported in the literature in individuals affected with DLC1-related conditions. Algorithms developed to predict the effect of missense changes on protein structure and function output the following: SIFT: "Not Available"; PolyPhen-2: "Benign"; Align-GVGD: "Not Available". The lysine amino acid residue is found in multiple mammalian species, which suggests that this missense change does not adversely affect protein function. In summary, the available evidence is currently insufficient to determine the role of this variant in disease. Therefore, it has been classified as a Variant of Uncertain Significance.

NM_182643.3(DLC1):c.1031G>A (p.Arg344Lys)

Gene: DLC1 (DLC1 Rho GTPase activating protein; minus strand). Cytogenetic location: 8p22.
Variant type: single nucleotide variant.
Coding change: c.1031G>A on transcript NM_182643.3 (MANE Select); coding-DNA position 1031, G replaced by A.
Protein change: p.Arg344Lys; replaces arginine 344 with lysine.
Molecular consequence: missense variant. On other transcripts: 5 prime UTR variant (1).
Genome position (GRCh38, 1-based): chr8:13,401,612, C>T on the plus strand (G>A on the coding strand, the complement: DLC1 is on the minus strand). VCF-style: chr8-13401612-C-T. GRCh37 (hg19) VCF-style: chr8-13259121-C-T.
Other names: c.1031G>A, p.Arg344Lys (NM_001348081.2, NM_001413124.1, NM_001413125.1 and 1 more transcripts); c.-421G>A (NM_001348082.2); short protein forms R344K.
Identifiers: ClinVar variation 2848865 (VCV002848865.3), dbSNP rs772590730, ClinGen allele CA4639307.